The following is an entry in ClinVar:

ClinVar aggregate classification (germline): Pathogenic (1 of 4 stars; one submission).

Conditions:
Dilated cardiomyopathy 1O (CMD1O). Also called: CARDIOMYOPATHY, DILATED, WITH VENTRICULAR TACHYCARDIA. Identifiers: Orphanet 154, MedGen C1837839, MONDO:0012062, OMIM 608569.

Submission:

Labcorp Genetics (formerly Invitae), Labcorp
Classification: Pathogenic for Dilated cardiomyopathy 1O. Last evaluated: 2024-10-16. Review status: criteria provided, single submitter. Criteria: Invitae Variant Classification Sherloc (09022015). Collection method: clinical testing. Allele origin: germline.
Comment: This sequence change creates a premature translational stop signal (p.Asp1159Thrfs*43) in the ABCC9 gene. It is expected to result in an absent or disrupted protein product. Loss-of-function variants in ABCC9 are known to be pathogenic (PMID: 31575858, 38217872). This variant is present in population databases (no rsID available, gnomAD 0.0009%). This variant has not been reported in the literature in individuals affected with ABCC9-related conditions. For these reasons, this variant has been classified as Pathogenic.

Literature cited by the submitters: PubMed 31575858; PubMed 38217872.

NC_000012.12:g.21838171del

Gene: ABCC9 (ATP binding cassette subfamily C member 9; minus strand). Cytogenetic location: 12p12.1.
Variant type: Deletion.
Genome position: GRCh38 VCF-style: chr12-21838168-TC-T. GRCh37 (hg19) VCF-style: chr12-21991102-TC-T.
Identifiers: ClinVar variation 3612263 (VCV003612263.2).
Genomic context (GRCh38, chr12:21,838,168, plus strand): 5'-GCTGTTTCTGAGAAGTGACAGAGCAGAGGGAGCTGGGTACTATCGTCAAGTTCCTGGAGG[TC>T]CCTAGTAGAGAGAGGGGCAAAAATAAACTTCATGTGCATCCAGACTCAAAGACTACCATG-3'